The following is an entry in ClinVar:

NM_003235.5(TG):c.7136G>A (p.Arg2379His)

Gene: TG (thyroglobulin; plus strand). Cytogenetic location: 8q24.22.
Variant type: single nucleotide variant.
Coding change: c.7136G>A on transcript NM_003235.5 (MANE Select); coding-DNA position 7136, G replaced by A.
Protein change: p.Arg2379His; replaces arginine 2379 with histidine.
Molecular consequence: missense variant.
Genome position (GRCh38, 1-based): chr8:133,029,920, G>A. VCF-style: chr8-133029920-G-A. GRCh37 (hg19) VCF-style: chr8-134042165-G-A.
Other names: short protein forms R2379H.
Identifiers: ClinVar variation 911336 (VCV000911336.28), dbSNP rs377043149, ClinGen allele CA4885145.

ClinVar aggregate classification (germline): Conflicting classifications of pathogenicity. Review status: criteria provided, conflicting classifications (1 of 4 stars). 2 submissions from 2 submitters: Uncertain significance (1); Likely benign (1). Last evaluated 2023-02-01.

Conditions:
Iodotyrosyl coupling defect (TDH3). Also called: HYPOTHYROIDISM, CONGENITAL, DUE TO DYSHORMONOGENESIS, 3; THYROID HORMONOGENESIS, GENETIC DEFECT IN, 3. Identifiers: Orphanet 95716, MedGen C0342194, MONDO:0010135, OMIM 274700.

Allele frequency attached by ClinVar (database versions not stated): gnomAD exomes 0.00004 and 0.00007; ExAC 0.00005; TOPMed 0.00012; ESP Exome Variant Server 0.00023.
gnomAD v4.1: 80 of 1,614,216 alleles (0.005%); highest among the groups gnomAD compares: African/African-American, 0.031%; no homozygotes.

Submissions (2):

CeGaT Center for Human Genetics Tuebingen
Classification: Likely benign. Last evaluated: 2023-02-01. Review status: criteria provided, single submitter. Criteria: CeGaT Center For Human Genetics Tuebingen Variant Classification Criteria Version 2. Collection method: clinical testing. Allele origin: germline. Affected: yes. Observed: 1 variant allele.
Comment: TG: BP4

Illumina Laboratory Services, Illumina
Classification: Uncertain significance for Iodotyrosyl coupling defect. Last evaluated: 2018-01-13. Review status: criteria provided, single submitter. Criteria: ICSL Variant Classification Criteria 13 December 2019. Collection method: clinical testing. Allele origin: germline.